The following is an entry in ClinVar:

NM_006767.4(LZTR1):c.1826A>T (p.Asn609Ile)

Gene: LZTR1 (leucine zipper like post translational regulator 1; plus strand). Cytogenetic location: 22q11.21.
Variant type: single nucleotide variant.
Coding change: c.1826A>T on transcript NM_006767.4 (MANE Select); coding-DNA position 1826, A replaced by T.
Protein change: p.Asn609Ile; replaces asparagine 609 with isoleucine.
Molecular consequence: missense variant.
Genome position (GRCh38, 1-based): chr22:20,994,910, A>T. VCF-style: chr22-20994910-A-T. GRCh37 (hg19) VCF-style: chr22-21349199-A-T.
Other names: short protein forms N609I.
Identifiers: ClinVar variation 3238141 (VCV003238141.1), dbSNP rs2518622383.

ClinVar aggregate classification (germline): Uncertain significance (1 of 4 stars; one submission).

Conditions:
Hereditary cancer-predisposing syndrome. Also called: Neoplastic Syndromes, Hereditary; Tumor predisposition; Hereditary neoplastic syndrome; Hereditary Cancer Syndrome. Identifiers: Orphanet 140162, MedGen C0027672, MeSH D009386, MONDO:0015356.
Cardiovascular phenotype. Identifiers: MedGen CN230736.

Submission:

Ambry Genetics
Classification: Uncertain significance for Cardiovascular phenotype; Hereditary cancer-predisposing syndrome. Last evaluated: 2023-09-02. Review status: criteria provided, single submitter. Criteria: Ambry Variant Classification Scheme 2023. Collection method: clinical testing. Allele origin: germline.
Comment: The p.N609I variant (also known as c.1826A>T), located in coding exon 16 of the LZTR1 gene, results from an A to T substitution at nucleotide position 1826. The asparagine at codon 609 is replaced by isoleucine, an amino acid with dissimilar properties. This amino acid position is highly conserved in available vertebrate species. In addition, the in silico prediction for this alteration is inconclusive. Since supporting evidence is limited at this time, the clinical significance of this alteration remains unclear.